The following is an entry in ClinVar:

ClinVar aggregate classification (germline): Uncertain significance (1 of 4 stars; one submission).

Submission:

Labcorp Genetics (formerly Invitae), Labcorp
Classification: Uncertain significance. Last evaluated: 2022-03-15. Review status: criteria provided, single submitter. Criteria: Invitae Variant Classification Sherloc (09022015). Collection method: clinical testing. Allele origin: germline.
Comment: In summary, the available evidence is currently insufficient to determine the role of this variant in disease. Therefore, it has been classified as a Variant of Uncertain Significance. Experimental studies and prediction algorithms are not available or were not evaluated, and the functional significance of this variant is currently unknown. This sequence change replaces lysine, which is basic and polar, with asparagine, which is neutral and polar, at codon 890 of the MAGEL2 protein (p.Lys890Asn). This variant is not present in population databases (gnomAD no frequency). This variant has not been reported in the literature in individuals affected with MAGEL2-related conditions.

NM_019066.5(MAGEL2):c.2670G>C (p.Lys890Asn)

Gene: MAGEL2 (MAGE family member L2; minus strand). Cytogenetic location: 15q11.2.
Variant type: single nucleotide variant.
Coding change: c.2670G>C on transcript NM_019066.5 (MANE Select); coding-DNA position 2670, G replaced by C.
Protein change: p.Lys890Asn; replaces lysine 890 with asparagine.
Molecular consequence: missense variant.
Genome position (GRCh38, 1-based): chr15:23,645,073, C>G on the plus strand (G>C on the coding strand, the complement: MAGEL2 is on the minus strand). VCF-style: chr15-23645073-C-G. GRCh37 (hg19) VCF-style: chr15-23890220-C-G.
Other names: short protein forms K890N.
Identifiers: ClinVar variation 2112320 (VCV002112320.4), dbSNP rs2503976452, ClinGen allele CA391330549.
Genomic context (GRCh38, chr15:23,645,073, plus strand): 5'-GCCCTGCCAGTCATGAAAGGCTAGCGTGTGGCCACGGCTGTCCTCTTGGGCTTCCAGATG[C>G]TTCTTCTTCCGGGTGGCCTTGCCGGAGCGGCGTGGCGGCTCGACGGAGGTCTTGGAGGCC-3'
Protein context (NP_061939.3, residues 880-900): RRSGKATRKK[Lys890Asn]HLEAQEDSRG